The following is an entry in ClinVar:

ClinVar aggregate classification (germline): Uncertain significance. Review status: criteria provided, multiple submitters, no conflicts (2 of 4 stars). 2 submissions from 2 submitters: Uncertain significance (2). Last evaluated 2024-04-12.

Conditions:
Hereditary cancer-predisposing syndrome. Also called: Tumor predisposition; Neoplastic Syndromes, Hereditary; Hereditary Cancer Syndrome; Hereditary neoplastic syndrome. Identifiers: Orphanet 140162, MedGen C0027672, MeSH D009386, MONDO:0015356.

Allele frequency attached by ClinVar (database versions not stated): gnomAD exomes below 0.00001.
gnomAD v4.1: 1 of 1,614,156 alleles (0.000062%); highest among the groups gnomAD compares: African/African-American, 0.0013%; no homozygotes.

Submissions (2):

Ambry Genetics
Classification: Uncertain significance for Hereditary cancer-predisposing syndrome. Last evaluated: 2024-04-12. Review status: criteria provided, single submitter. Criteria: Ambry Variant Classification Scheme 2023. Collection method: clinical testing. Allele origin: germline.
Comment: The p.N613S variant (also known as c.1838A>G), located in coding exon 13 of the MSH3 gene, results from an A to G substitution at nucleotide position 1838. The asparagine at codon 613 is replaced by serine, an amino acid with highly similar properties. This amino acid position is conserved. In addition, this alteration is predicted to be tolerated by in silico analysis. Based on the available evidence, the clinical significance of this variant remains unclear.

Labcorp Genetics (formerly Invitae), Labcorp
Classification: Uncertain significance. Last evaluated: 2022-10-12. Review status: criteria provided, single submitter. Criteria: Invitae Variant Classification Sherloc (09022015). Collection method: clinical testing. Allele origin: germline.
Comment: In summary, the available evidence is currently insufficient to determine the role of this variant in disease. Therefore, it has been classified as a Variant of Uncertain Significance. Algorithms developed to predict the effect of missense changes on protein structure and function output the following: SIFT: "Tolerated"; PolyPhen-2: "Benign"; Align-GVGD: "Class C0". The serine amino acid residue is found in multiple mammalian species, which suggests that this missense change does not adversely affect protein function. This variant has not been reported in the literature in individuals affected with MSH3-related conditions. This variant is not present in population databases (gnomAD no frequency). This sequence change replaces asparagine, which is neutral and polar, with serine, which is neutral and polar, at codon 613 of the MSH3 protein (p.Asn613Ser).

NM_002439.5(MSH3):c.1838A>G (p.Asn613Ser)

Gene: MSH3 (mutS homolog 3; plus strand). Cytogenetic location: 5q14.1.
Variant type: single nucleotide variant.
Coding change: c.1838A>G on transcript NM_002439.5 (MANE Select); coding-DNA position 1838, A replaced by G.
Protein change: p.Asn613Ser; replaces asparagine 613 with serine.
Molecular consequence: missense variant.
Genome position (GRCh38, 1-based): chr5:80,761,620, A>G. VCF-style: chr5-80761620-A-G. GRCh37 (hg19) VCF-style: chr5-80057439-A-G.
Other names: c.1838A>G (NM_002439.3); short protein forms N613S.
Identifiers: ClinVar variation 1900928 (VCV001900928.6), dbSNP rs2546770050, ClinGen allele CA360276621.
Genomic context (GRCh38, chr5:80,761,620, plus strand): 5'-GGCTTGATGCTGTATCGGAAGTTCTCCATTCAGAATCTAGTGTGTTTGGTCAGATAGAAA[A>G]TCATCTACGTAAATTGCCCGACATAGAGAGGGGACTCTGTAGCATTTATCACAAAAAAGT-3'
Protein context (NP_002430.3, residues 603-623): SESSVFGQIE[Asn613Ser]HLRKLPDIER